The following is an entry in ClinVar:

ClinVar aggregate classification (germline): Uncertain significance (1 of 4 stars; one submission).

Conditions:
Charcot-Marie-Tooth disease dominant intermediate B (CMTDIB). Also called: Charcot-Marie-Tooth disease dominant intermediate 1; CMT DI1; Charcot-Marie-Tooth disease dominant intermediate I; CHARCOT-MARIE-TOOTH NEUROPATHY, DOMINANT INTERMEDIATE B. Identifiers: Orphanet 100044, Orphanet 228179, MedGen C1847902, MONDO:0011674, OMIM 606482.

Allele frequency attached by ClinVar (database versions not stated): gnomAD 0.00001; gnomAD exomes below 0.00001.
gnomAD v4.1: 3 of 1,613,852 alleles (0.00019%); highest among the groups gnomAD compares: Non-Finnish European, 0.00025%; no homozygotes.

Submission:

Labcorp Genetics (formerly Invitae), Labcorp
Classification: Uncertain significance for Charcot-Marie-Tooth disease dominant intermediate B. Last evaluated: 2023-03-19. Review status: criteria provided, single submitter. Criteria: Invitae Variant Classification Sherloc (09022015). Collection method: clinical testing. Allele origin: germline.
Comment: This sequence change replaces aspartic acid, which is acidic and polar, with asparagine, which is neutral and polar, at codon 704 of the DNM2 protein (p.Asp704Asn). This variant is not present in population databases (gnomAD no frequency). This variant has not been reported in the literature in individuals affected with DNM2-related conditions. Advanced modeling of protein sequence and biophysical properties (such as structural, functional, and spatial information, amino acid conservation, physicochemical variation, residue mobility, and thermodynamic stability) has been performed at Invitae for this missense variant, however the output from this modeling did not meet the statistical confidence thresholds required to predict the impact of this variant on DNM2 protein function. In summary, the available evidence is currently insufficient to determine the role of this variant in disease. Therefore, it has been classified as a Variant of Uncertain Significance.

NM_001005361.3(DNM2):c.2110G>A (p.Asp704Asn)

Gene: DNM2 (dynamin 2; plus strand). Cytogenetic location: 19p13.2.
Variant type: single nucleotide variant.
Coding change: c.2110G>A on transcript NM_001005361.3 (MANE Select); coding-DNA position 2110, G replaced by A.
Protein change: p.Asp704Asn; replaces aspartic acid 704 with asparagine.
Molecular consequence: missense variant.
Genome position (GRCh38, 1-based): chr19:10,829,087, G>A. VCF-style: chr19-10829087-G-A. GRCh37 (hg19) VCF-style: chr19-10939763-G-A.
Other names: c.2110G>A, p.Asp704Asn (NM_001005360.3, NM_001190716.2); c.2098G>A, p.Asp700Asn (NM_001005362.3, NM_004945.4); short protein forms D700N, D704N.
Identifiers: ClinVar variation 2836739 (VCV002836739.3), dbSNP rs2073246854, ClinGen allele CA404042262.
Genomic context (GRCh38, chr19:10,829,087, plus strand): 5'-TGCCCGCAGACGAAGGCCTTCATCCACCACGAGCTGCTGGCCTACCTATACTCCTCGGCA[G>A]ACCAGAGCAGCCTCATGGAGGAGTCGGCTGACCAGGCACAGCGGCGGGACGACATGCTGC-3'
Protein context (NP_001005361.1, residues 694-714): ELLAYLYSSA[Asp704Asn]QSSLMEESAD